The following is an entry in ClinVar:

NM_004006.3(DMD):c.3516G>A (p.Trp1172Ter)

Gene: DMD (dystrophin; minus strand). Cytogenetic location: Xp21.1.
Variant type: single nucleotide variant.
Coding change: c.3516G>A on transcript NM_004006.3 (MANE Select); coding-DNA position 3516, G replaced by A.
Protein change: p.Trp1172Ter; replaces tryptophan 1172 with a stop codon.
Molecular consequence: nonsense.
Genome position (GRCh38, 1-based): chrX:32,454,749, C>T on the plus strand (G>A on the coding strand, the complement: DMD is on the minus strand). VCF-style: chrX-32454749-C-T. GRCh37 (hg19) VCF-style: chrX-32472866-C-T.
Other names: c.3492G>A, p.Trp1164Ter (NM_000109.4); c.3504G>A, p.Trp1168Ter (NM_004009.3); c.3147G>A, p.Trp1049Ter (NM_004010.3); short protein forms W1049*, W1164*, W1168*, W1172*.
Identifiers: ClinVar variation 1322577 (VCV001322577.7), dbSNP rs865974846, ClinGen allele CA412663222.

ClinVar aggregate classification (germline): Pathogenic (1 of 4 stars; one submission).

Conditions:
Duchenne muscular dystrophy (DMD). Also called: MUSCULAR DYSTROPHY, PSEUDOHYPERTROPHIC PROGRESSIVE, DUCHENNE TYPE; Duchenne Muscular Dystrophy (DMD). Identifiers: Orphanet 98896, MedGen C0013264, MONDO:0010679, OMIM 310200.

Submission:

Labcorp Genetics (formerly Invitae), Labcorp
Classification: Pathogenic for Duchenne muscular dystrophy. Last evaluated: 2022-03-18. Review status: criteria provided, single submitter. Criteria: Invitae Variant Classification Sherloc (09022015). Collection method: clinical testing. Allele origin: germline.
Comment: For these reasons, this variant has been classified as Pathogenic. ClinVar contains an entry for this variant (Variation ID: 1322577). This premature translational stop signal has been observed in individual(s) with DMD-related conditions (PMID: 19409785, 23349452). This variant is not present in population databases (gnomAD no frequency). This sequence change creates a premature translational stop signal (p.Trp1172*) in the DMD gene. It is expected to result in an absent or disrupted protein product. Loss-of-function variants in DMD are known to be pathogenic (PMID: 16770791, 25007885).

Literature cited by the submitters: PubMed 19409785; PubMed 23349452; PubMed 16770791; PubMed 25007885.